The following is an entry in ClinVar:

NM_003322.6(TULP1):c.1562C>T (p.Pro521Leu)

Gene: TULP1 (TUB like protein 1; minus strand). Cytogenetic location: 6p21.31.
Variant type: single nucleotide variant.
Coding change: c.1562C>T on transcript NM_003322.6 (MANE Select); coding-DNA position 1562, C replaced by T.
Protein change: p.Pro521Leu; replaces proline 521 with leucine.
Molecular consequence: missense variant.
Genome position (GRCh38, 1-based): chr6:35,498,394, G>A on the plus strand (C>T on the coding strand, the complement: TULP1 is on the minus strand). VCF-style: chr6-35498394-G-A. GRCh37 (hg19) VCF-style: chr6-35466171-G-A.
Other names: c.1403C>T, p.Pro468Leu (NM_001289395.2); short protein forms P521L, P468L.
Identifiers: ClinVar variation 2818481 (VCV002818481.3), dbSNP rs2533777570, ClinGen allele CA363778260.

ClinVar aggregate classification (germline): Likely pathogenic (1 of 4 stars; one submission).

Allele frequency attached by ClinVar (database versions not stated): gnomAD exomes below 0.00001.
gnomAD v4.1: 2 of 1,613,916 alleles (0.00012%); highest among the groups gnomAD compares: Non-Finnish European, 0.00017%; no homozygotes.

Submission:

Labcorp Genetics (formerly Invitae), Labcorp
Classification: Likely pathogenic. Last evaluated: 2023-02-26. Review status: criteria provided, single submitter. Criteria: Invitae Variant Classification Sherloc (09022015). Collection method: clinical testing. Allele origin: germline.
Comment: This variant has not been reported in the literature in individuals affected with TULP1-related conditions. This variant is not present in population databases (gnomAD no frequency). This sequence change replaces proline, which is neutral and non-polar, with leucine, which is neutral and non-polar, at codon 521 of the TULP1 protein (p.Pro521Leu). Advanced modeling of protein sequence and biophysical properties (such as structural, functional, and spatial information, amino acid conservation, physicochemical variation, residue mobility, and thermodynamic stability) performed at Invitae indicates that this missense variant is expected to disrupt TULP1 protein function. This variant disrupts the p.Pro521 amino acid residue in TULP1. Other variant(s) that disrupt this residue have been determined to be pathogenic (Invitae). This suggests that this residue is clinically significant, and that variants that disrupt this residue are likely to be disease-causing. In summary, the currently available evidence indicates that the variant is pathogenic, but additional data are needed to prove that conclusively. Therefore, this variant has been classified as Likely Pathogenic.